The following is an entry in ClinVar:

ClinVar aggregate classification (germline): Uncertain significance (1 of 4 stars; one submission).

Conditions:
Inborn genetic diseases. Identifiers: MedGen C0950123, MeSH D030342.

Submission:

Ambry Genetics
Classification: Uncertain significance for Inborn genetic diseases. Last evaluated: 2025-10-07. Review status: criteria provided, single submitter. Criteria: Ambry Variant Classification Scheme 2023. Collection method: clinical testing. Allele origin: germline.
Comment: The p.D62N variant (also known as c.184G>A), located in coding exon 2 of the USB1 gene, results from a G to A substitution at nucleotide position 184. The aspartic acid at codon 62 is replaced by asparagine, an amino acid with highly similar properties. This amino acid position is conserved. In addition, this alteration is predicted to be tolerated by in silico analysis. Based on the available evidence, the clinical significance of this variant remains unclear.

NM_024598.4(USB1):c.184G>A (p.Asp62Asn)

Gene: USB1 (U6 snRNA biogenesis phosphodiesterase 1; plus strand). Cytogenetic location: 16q21.
Variant type: single nucleotide variant.
Coding change: c.184G>A on transcript NM_024598.4 (MANE Select); coding-DNA position 184, G replaced by A.
Protein change: p.Asp62Asn; replaces aspartic acid 62 with asparagine.
Molecular consequence: missense variant.
Genome position (GRCh38, 1-based): chr16:58,002,564, G>A. VCF-style: chr16-58002564-G-A. GRCh37 (hg19) VCF-style: chr16-58036468-G-A.
Other names: c.184G>A, p.Asp62Asn (NM_001195302.2, NM_001204911.2, NM_001330569.2); c.31G>A, p.Asp11Asn (NM_001330568.2); short protein forms D11N, D62N.
Identifiers: ClinVar variation 4634189 (VCV004634189.1).